The following is an entry in ClinVar:

ClinVar aggregate classification (germline): Likely benign. Review status: criteria provided, single submitter (1 of 4 stars). 2 submissions from 2 submitters: Likely benign (1). 1 of the submissions does not count toward it. Last evaluated 2025-07-01.

Conditions:
Retinal dystrophy. Also called: Inherited retinal dystrophy. Identifiers: Orphanet 71862, MedGen C0854723, MeSH D058499, MONDO:0019118, HP:0000556.

Submissions (2):

CeGaT Center for Human Genetics Tuebingen
Classification: Likely benign. Last evaluated: 2025-07-01. Review status: criteria provided, single submitter. Criteria: CeGaT Center For Human Genetics Tuebingen Variant Classification Criteria Version 2. Collection method: clinical testing. Allele origin: germline. Affected: yes. Observed: 1 variant allele.
Comment: RPGR: BP4, BP7

Institute of Human Genetics, Univ. Regensburg, Univ. Regensburg
Classification: Uncertain significance for Retinal dystrophy. Last evaluated: 2022-01-01. Review status: no assertion criteria provided. Criteria: ACMG Guidelines, 2015. Collection method: clinical testing. Allele origin: germline. Affected: yes. Not counted in ClinVar's aggregate classification.

NM_001034853.2(RPGR):c.2796G>A (p.Gly932=)

Gene: RPGR (retinitis pigmentosa GTPase regulator; minus strand). Cytogenetic location: Xp11.4.
Variant type: single nucleotide variant.
Coding change: c.2796G>A on transcript NM_001034853.2 (MANE Select); coding-DNA position 2796, G replaced by A.
Protein change: p.Gly932=; no amino-acid change (glycine 932 retained).
Molecular consequence: synonymous variant. On other transcripts: intron variant (8).
Genome position (GRCh38, 1-based): chrX:38,286,203, C>T on the plus strand (G>A on the coding strand, the complement: RPGR is on the minus strand). VCF-style: chrX-38286203-C-T. GRCh37 (hg19) VCF-style: chrX-38145456-C-T.
Other names: c.1569+4756G>A (NM_001367249.1, NM_001367250.1); c.1902+891G>A (NM_001367245.1); c.1386+4756G>A (NM_001367251.1); c.1719+891G>A (NM_001367246.1); c.1572+4756G>A (NM_001367247.1); c.1905+891G>A (NM_000328.3); c.1602+4756G>A (NM_001367248.1).
Identifiers: ClinVar variation 3249150 (VCV003249150.9).